The following is an entry in ClinVar:

NM_002775.5(HTRA1):c.660C>G (p.His220Gln)

Gene: HTRA1 (HtrA serine peptidase 1; plus strand). Cytogenetic location: 10q26.13.
Variant type: single nucleotide variant.
Coding change: c.660C>G on transcript NM_002775.5 (MANE Select); coding-DNA position 660, C replaced by G.
Protein change: p.His220Gln; replaces histidine 220 with glutamine.
Molecular consequence: missense variant.
Genome position (GRCh38, 1-based): chr10:122,489,509, C>G. VCF-style: chr10-122489509-C-G. GRCh37 (hg19) VCF-style: chr10-124249025-C-G.
Other names: short protein forms H220Q.
Identifiers: ClinVar variation 870484 (VCV000870484.9), dbSNP rs1357930157, ClinGen allele CA378581114.

ClinVar aggregate classification (germline): Conflicting classifications of pathogenicity. Review status: criteria provided, conflicting classifications (1 of 4 stars). 3 submissions from 3 submitters: Likely pathogenic (1); Uncertain significance (2). Last evaluated 2025-11-19.

Conditions:
Cerebral arteriopathy, autosomal dominant, with subcortical infarcts and leukoencephalopathy, type 2 (CADASIL2). Identifiers: MedGen C4225211, MONDO:0014768, OMIM 616779.
Cerebral arteriopathy, autosomal recessive, with subcortical infarcts and leukoencephalopathy 2. Also called: CEREBROVASCULAR DISEASE WITH THIN SKIN, ALOPECIA, AND DISC DISEASE; MAEDA SYNDROME; CARASIL syndrome; SUBCORTICAL VASCULAR ENCEPHALOPATHY, PROGRESSIVE; Cerebral autosomal recessive arteriopathy with subcortical infarcts and leukoencephalopathy. Identifiers: Orphanet 199354, MedGen C6022615, MONDO:0010829, OMIM 600142.

Submissions (3):

Labcorp Genetics (formerly Invitae), Labcorp
Classification: Uncertain significance. Last evaluated: 2025-11-19. Review status: criteria provided, single submitter. Criteria: Invitae Variant Classification Sherloc (09022015). Collection method: clinical testing. Allele origin: germline.
Comment: This sequence change replaces histidine, which is basic and polar, with glutamine, which is neutral and polar, at codon 220 of the HTRA1 protein (p.His220Gln). This variant is present in population databases (no rsID available, gnomAD 0.006%). This variant has not been reported in the literature in individuals affected with HTRA1-related conditions. ClinVar contains an entry for this variant (Variation ID: 870484). Invitae Evidence Modeling of protein sequence and biophysical properties (such as structural, functional, and spatial information, amino acid conservation, physicochemical variation, residue mobility, and thermodynamic stability) indicates that this missense variant is expected to disrupt HTRA1 protein function with a positive predictive value of 95%. In summary, the available evidence is currently insufficient to determine the role of this variant in disease. Therefore, it has been classified as a Variant of Uncertain Significance.

Institute of Human Genetics, University of Leipzig Medical Center
Classification: Uncertain significance for Cerebral arteriopathy, autosomal dominant, with subcortical infarcts and leukoencephalopathy, type 2. Last evaluated: 2025-03-04. Review status: criteria provided, single submitter. Criteria: ACMG Guidelines, 2015. Collection method: clinical testing. Allele origin: unknown. Inheritance: Autosomal dominant inheritance. Affected: yes.
Comment: Criteria applied: PM1,PM2_SUP,PP3

Diagnostics Services (NGS), CSIR - Centre For Cellular And Molecular Biology
Classification: Likely pathogenic for Cerebral arteriopathy, autosomal recessive, with subcortical infarcts and leukoencephalopathy 2. Last evaluated: 2020-03-21. Review status: criteria provided, single submitter. Criteria: ACMG Guidelines, 2015. Collection method: clinical testing. Allele origin: germline. Inheritance: Autosomal recessive inheritance. Affected: yes. Observed: 1 homozygote.
Comment: The c.660C>G variant is not present in publicly available databases like 1000 Genomes, Exome Variant Server (EVS) and Exome Aggregation Consortium (ExAC). It is present in Genome Aggregation Database (gnomAD) and dbSNP at a very low frequency (MAF: 0.00001193), in heterozygous state. The variant is not present in our in-house exome database. The variant was not reported earlier to OMIM, ClinVar or Human Genome Mutation Database (HGMD), in any affected individuals. The variant is present in a highly conserved region and in-silico pathogenicity prediction programs like SIFT, PolyPhen-2, MutationTaster2, CADD etc. predicted this variant to be likely deleterious, however there are no documented functional studies to prove this. Since the phenotype is very specific, the variant has been classified as likely pathogenic.